The following is an entry in ClinVar:

ClinVar aggregate classification (germline): Uncertain significance (1 of 4 stars; one submission).

Allele frequency attached by ClinVar (database versions not stated): gnomAD exomes 0.00001; ExAC 0.00002; ESP Exome Variant Server 0.00008; gnomAD 0.00015; TOPMed 0.00025.
gnomAD v4.1: 46 of 1,612,974 alleles (0.0029%); highest among the groups gnomAD compares: African/African-American, 0.055%; no homozygotes.

Submission:

Labcorp Genetics (formerly Invitae), Labcorp
Classification: Uncertain significance. Last evaluated: 2023-12-11. Review status: criteria provided, single submitter. Criteria: Invitae Variant Classification Sherloc (09022015). Collection method: clinical testing. Allele origin: germline.
Comment: This sequence change falls in intron 9 of the CSGALNACT1 gene. It does not directly change the encoded amino acid sequence of the CSGALNACT1 protein. It affects a nucleotide within the consensus splice site. This variant is present in population databases (rs369537711, gnomAD 0.06%). This variant has not been reported in the literature in individuals affected with CSGALNACT1-related conditions. ClinVar contains an entry for this variant (Variation ID: 2052186). Variants that disrupt the consensus splice site are a relatively common cause of aberrant splicing (PMID: 17576681, 9536098). Algorithms developed to predict the effect of sequence changes on RNA splicing suggest that this variant is not likely to affect RNA splicing. In summary, the available evidence is currently insufficient to determine the role of this variant in disease. Therefore, it has been classified as a Variant of Uncertain Significance.

Literature cited by the submitters: PubMed 17576681; PubMed 9536098.

NM_001354483.2(CSGALNACT1):c.1309+6A>C

Gene: CSGALNACT1 (chondroitin sulfate N-acetylgalactosaminyltransferase 1; minus strand). Cytogenetic location: 8p21.3.
Variant type: single nucleotide variant.
Coding change: c.1309+6A>C on transcript NM_001354483.2 (MANE Select); 6 bases into the intron after coding-DNA position 1309, A replaced by C.
Molecular consequence: intron variant.
Genome position (GRCh38, 1-based): chr8:19,408,607, T>G on the plus strand (A>C on the coding strand, the complement: CSGALNACT1 is on the minus strand). VCF-style: chr8-19408607-T-G. GRCh37 (hg19) VCF-style: chr8-19266118-T-G.
Other names: c.1309+6A>C (NM_001354476.2, NM_001354481.2, NM_001354477.2 and 18 more transcripts).
Identifiers: ClinVar variation 2052186 (VCV002052186.2), dbSNP rs369537711, ClinGen allele CA4653821.